The following is an entry in ClinVar:

NM_000020.3(ACVRL1):c.1048G>C (p.Gly350Arg)

Gene: ACVRL1 (activin A receptor like type 1; plus strand). Cytogenetic location: 12q13.13.
Variant type: single nucleotide variant.
Coding change: c.1048G>C on transcript NM_000020.3 (MANE Select); coding-DNA position 1048, G replaced by C.
Protein change: p.Gly350Arg; replaces glycine 350 with arginine.
Molecular consequence: missense variant.
Genome position (GRCh38, 1-based): chr12:51,915,500, G>C. VCF-style: chr12-51915500-G-C. GRCh37 (hg19) VCF-style: chr12-52309284-G-C.
Other names: p.Gly350Arg; c.1048G>C, p.Gly350Arg (NM_001077401.2); short protein forms G350R.
Identifiers: ClinVar variation 583213 (VCV000583213.12), dbSNP rs1565594547, ClinGen allele CA384901864.

ClinVar aggregate classification (germline): Pathogenic. Review status: criteria provided, multiple submitters, no conflicts (2 of 4 stars). 4 submissions from 4 submitters: Pathogenic (4). Last evaluated 2025-09-22.

Conditions:
Cardiovascular phenotype. Identifiers: MedGen CN230736.
Telangiectasia, hereditary hemorrhagic, type 2 (HHT2). Also called: ACVRL1-Related Hereditary Hemorrhagic Telangiectasia; Telangiectasia, hereditary hemorrhagic, type II. Identifiers: Orphanet 774, MedGen C1838163, MONDO:0010880, OMIM 600376. Disease mechanism: loss of function.

Submissions (4):

Labcorp Genetics (formerly Invitae), Labcorp
Classification: Pathogenic for Telangiectasia, hereditary hemorrhagic, type 2. Last evaluated: 2025-09-22. Review status: criteria provided, single submitter. Criteria: Invitae Variant Classification Sherloc (09022015). Collection method: clinical testing. Allele origin: germline.
Comment: This sequence change replaces glycine, which is neutral and non-polar, with arginine, which is basic and polar, at codon 350 of the ACVRL1 protein (p.Gly350Arg). This variant also falls at the last nucleotide of exon 7, which is part of the consensus splice site for this exon. This variant is not present in population databases (gnomAD no frequency). This missense change has been observed in individual(s) with hereditary hemorrhagic telangiectasia (PMID: 15517393, 17384219, 21158752; internal data). ClinVar contains an entry for this variant (Variation ID: 583213). Invitae Evidence Modeling of protein sequence and biophysical properties (such as structural, functional, and spatial information, amino acid conservation, physicochemical variation, residue mobility, and thermodynamic stability) indicates that this missense variant is expected to disrupt ACVRL1 protein function with a positive predictive value of 95%. Variants that disrupt the consensus splice site are a relatively common cause of aberrant splicing (PMID: 17576681, 9536098). Algorithms developed to predict the effect of sequence changes on RNA splicing suggest that this variant may disrupt the consensus splice site. For these reasons, this variant has been classified as Pathogenic.

Mayo Clinic Laboratories, Mayo Clinic
Classification: Pathogenic. Last evaluated: 2025-03-19. Review status: criteria provided, single submitter. Criteria: ACMG Guidelines, 2015. Collection method: clinical testing. Allele origin: germline. Observed: 1 variant allele.
Comment: PP3, PP4_moderate, PM1, PM2_supporting, PS4_supporting

ARUP Laboratories, Molecular Genetics and Genomics, ARUP Laboratories
Classification: Pathogenic for Telangiectasia, hereditary hemorrhagic, type 2. Last evaluated: 2024-11-16. Review status: criteria provided, single submitter. Criteria: ARUP Molecular Germline Variant Investigation Process 2024. Collection method: clinical testing. Allele origin: germline.
Comment: The ACVRL1 c.1048G>C; p.Gly350Arg variant (rs1565594547) is reported in the literature in multiple individuals affected with hereditary hemorrhagic telangiectasia (HHT) (Gedge 2007, Letteboer 2005, McDonald 2011). This variant is reported in ClinVar (Variation ID: 583213) and is absent from the Genome Aggregation Database (v2.1.1), indicating it is not a common polymorphism. Additionally, another variant at this codon (c.1048G>A; p.Gly350Ser) has been reported in individuals with HHT and is considered disease-causing (Schulte 2005). Computational analyses predict that this variant is deleterious (REVEL: 0.975). This is a missense variant occurring at the last nucleotide on exon 6, and computational analyses (Alamut Visual Plus v.1.11) predict that this variant may impact splicing by weakening the nearby canonical donor splice site. Based on available information, this variant is considered to be pathogenic. References: Gedge F et al. Clinical and analytical sensitivities in hereditary hemorrhagic telangiectasia testing and a report of de novo mutations. J Mol Diagn. 2007 Apr;9(2):258-65. PMID: 17384219. Letteboer TG et al. Hereditary hemorrhagic telangiectasia: ENG and ALK-1 mutations in Dutch patients. Hum Genet. 2005 Jan;116(1-2):8-16. PMID: 15517393. McDonald J et al. Molecular diagnosis in hereditary hemorrhagic telangiectasia: findings in a series tested simultaneously by sequencing and deletion/duplication analysis. Clin Genet. 2011 Apr;79(4):335-44. PMID: 21158752. Schulte C et al. High frequency of ENG and ALK1/ACVRL1 mutations in German HHT patients. Hum Mutat. 2005 Jun;25(6):595. PMID: 15880681.

Ambry Genetics
Classification: Pathogenic for Cardiovascular phenotype. Last evaluated: 2024-09-10. Review status: criteria provided, single submitter. Criteria: Ambry Variant Classification Scheme 2023. Collection method: clinical testing. Allele origin: germline.
Comment: The p.G350R pathogenic mutation (also known as c.1048G>C), located in coding exon 6 of the ACVRL1 gene, results from a G to C substitution at nucleotide position 1048. The glycine at codon 350 is replaced by arginine, an amino acid with dissimilar properties. However, this change occurs in the last base pair of coding exon 6, which makes it likely to have some effect on normal mRNA splicing. This alteration has been reported in individuals with a clinical diagnosis of hereditary hemorrhagic telangiectasia (HHT) (Letteboer TG et al. Hum. Genet., 2005 Jan;116:8-16; Gedge F et al. J Mol Diagn, 2007 Apr;9:258-65). This nucleotide position is highly conserved in available vertebrate species. This amino acid position is highly conserved in available vertebrate species. In silico splice site analysis predicts that this alteration will result in the creation or strengthening of a novel splice donor site. In addition, this alteration is predicted to be deleterious by Bayesdel in silico analysis. This variant is considered to be rare based on population cohorts in the Genome Aggregation Database (gnomAD). Based on the supporting evidence, this alteration is interpreted as a disease-causing mutation.

Literature cited by the submitters: PubMed 15517393 (cited by 3 submitters); PubMed 17384219 (cited by 3 submitters); PubMed 21158752 (cited by Labcorp Genetics (formerly Invitae), Labcorp and Mayo Clinic Laboratories, Mayo Clinic); PubMed 17576681 (cited by Labcorp Genetics (formerly Invitae), Labcorp and Mayo Clinic Laboratories, Mayo Clinic); PubMed 9536098 (cited by Labcorp Genetics (formerly Invitae), Labcorp and Mayo Clinic Laboratories, Mayo Clinic); PubMed 15880681 (cited by Mayo Clinic Laboratories, Mayo Clinic).